The following is an entry in ClinVar:

NM_000368.5(TSC1):c.3184C>T (p.Arg1062Trp)

Gene: TSC1 (TSC complex subunit 1; minus strand). Cytogenetic location: 9q34.13.
Variant type: single nucleotide variant.
Coding change: c.3184C>T on transcript NM_000368.5 (MANE Select); coding-DNA position 3184, C replaced by T.
Protein change: p.Arg1062Trp; replaces arginine 1062 with tryptophan.
Molecular consequence: missense variant.
Genome position (GRCh38, 1-based): chr9:132,896,546, G>A on the plus strand (C>T on the coding strand, the complement: TSC1 is on the minus strand). VCF-style: chr9-132896546-G-A. GRCh37 (hg19) VCF-style: chr9-135771933-G-A.
Other names: p.R1062W:CGG>TGG; c.3181C>T, p.Arg1061Trp (NM_001162426.2); c.3031C>T, p.Arg1011Trp (NM_001162427.2); c.2821C>T, p.Arg941Trp (NM_001362177.2); short protein forms R1062W, R1011W, R1061W, R941W.
Identifiers: ClinVar variation 49015 (VCV000049015.46), dbSNP rs118203745, ClinGen allele CA007223.

ClinVar aggregate classification (germline): Conflicting classifications of pathogenicity. Review status: criteria provided, conflicting classifications (1 of 4 stars). 16 submissions from 15 submitters: Uncertain significance (3); Benign (6); Likely benign (5). 2 of the submissions do not count toward it. Last evaluated 2026-02-01.

Conditions:
TSC1-related disorder. Also called: TSC1-related condition.
Hereditary cancer-predisposing syndrome. Also called: Tumor predisposition; Neoplastic Syndromes, Hereditary; Hereditary neoplastic syndrome; Hereditary Cancer Syndrome. Identifiers: Orphanet 140162, MedGen C0027672, MeSH D009386, MONDO:0015356.
Tuberous sclerosis syndrome (TSC). Also called: Tuberous Sclerosis Complex; Tuberous sclerosis. Identifiers: Orphanet 805, MedGen C0041341, MONDO:0001734.
Isolated focal cortical dysplasia type II (FCORD2). Also called: CORTICAL DYSPLASIA OF TAYLOR; Focal cortical dysplasia type II. Identifiers: Orphanet 268994, MedGen C1846385, MONDO:0011818, OMIM 607341, HP:0032051.
Tuberous sclerosis 1 (TSC1). Identifiers: Orphanet 805, MedGen C1854465, MONDO:0008612, OMIM 191100.

Allele frequency attached by ClinVar (database versions not stated): ExAC 0.00015; gnomAD exomes 0.00016 and 0.00013; TOPMed 0.00009; gnomAD 0.00014 and 0.00018.
gnomAD v4.1: 220 of 1,614,048 alleles (0.014%); highest among the groups gnomAD compares: Admixed American, 0.045%; no homozygotes.

Submissions (16):

Labcorp Genetics (formerly Invitae), Labcorp
Classification: Benign for Tuberous sclerosis 1. Last evaluated: 2026-02-01. Review status: criteria provided, single submitter. Criteria: Invitae Variant Classification Sherloc (09022015). Collection method: clinical testing. Allele origin: germline.

Myriad Genetics, Inc.
Classification: Likely benign for Tuberous sclerosis 1. Last evaluated: 2025-04-30. Review status: criteria provided, single submitter. Criteria: Myriad Autosomal Dominant, Autosomal Recessive and X-Linked Classification Criteria (2023). Collection method: clinical testing. Allele origin: unknown.
Comment: This variant is considered likely benign. This variant has been observed at a population frequency that is significantly greater than expected given the associated disease prevalence and penetrance.

Blueprint Genetics
Classification: Likely benign. Last evaluated: 2024-10-28. Review status: criteria provided, single submitter. Criteria: ACMG Guidelines, 2015. Collection method: clinical testing. Allele origin: germline.

Color Diagnostics, LLC DBA Color Health
Classification: Benign for Tuberous sclerosis syndrome. Last evaluated: 2022-03-14. Review status: criteria provided, single submitter. Criteria: ACMG Guidelines, 2015. Collection method: clinical testing. Allele origin: germline.

Genome-Nilou Lab
Classification: Likely benign for Tuberous sclerosis 1. Last evaluated: 2021-11-07. Review status: criteria provided, single submitter. Criteria: ACMG Guidelines, 2015. Collection method: clinical testing. Allele origin: germline. Affected: no.

Sema4
Classification: Benign for Hereditary cancer-predisposing syndrome. Last evaluated: 2020-12-13. Review status: criteria provided, single submitter. Criteria: Sema4 Curation Guidelines. Collection method: curation. Allele origin: germline.

GeneDx
Classification: Benign. Last evaluated: 2020-06-23. Review status: criteria provided, single submitter. Criteria: GeneDx Variant Classification Process June 2021. Collection method: clinical testing. Allele origin: germline. Affected: yes.
Comment: This variant is associated with the following publications: (PMID: 21309039, 20165957)

Mendelics
Classification: Benign for Tuberous sclerosis 1. Last evaluated: 2019-05-28. Review status: criteria provided, single submitter. Criteria: Mendelics Assertion Criteria 2017. Collection method: clinical testing. Allele origin: unknown.

ARUP Laboratories, Molecular Genetics and Genomics, ARUP Laboratories
Classification: Uncertain significance. Last evaluated: 2019-03-04. Review status: criteria provided, single submitter. Criteria: ARUP Molecular Germline Variant Investigation Process. Collection method: clinical testing. Allele origin: germline.
Comment: The TSC1 c.3184C>T; p.Arg1062Trp variant (rs118203745) is reported in the literature in an individual with tuberous sclerosis (Qin 2010). However, functional assays demonstrate the variant protein behaves similarly to wild type protein (Hoogeveen-Westerveld 2011). This variant is reported with conflicting interpretations in ClinVar (Variation ID: 49015). It is found in the general population with an overall allele frequency of 0.02% (44/282762 alleles) in the Genome Aggregation Database. The arginine at codon 1062 is moderately conserved, and computational analyses (SIFT, PolyPhen-2) predict that this variant may be deleterious. However, due to limited information, the clinical significance of this variant is uncertain at this time. References: Hoogeveen-Westerveld M et al. Functional assessment of variants in the TSC1 and TSC2 genes identified in individuals with Tuberous Sclerosis Complex. Hum Mutat. 2011 Apr;32(4):424-35. Qin W et al. Ultra deep sequencing detects a low rate of mosaic mutations in tuberous sclerosis complex. Hum Genet. 2010 Mar;127(5):573-82.

Ambry Genetics
Classification: Likely benign for Hereditary cancer-predisposing syndrome. Last evaluated: 2019-02-22. Review status: criteria provided, single submitter. Criteria: Ambry Variant Classification Scheme 2023. Collection method: clinical testing. Allele origin: germline.

Illumina Laboratory Services, Illumina
Classification: Benign for Isolated focal cortical dysplasia type II. Last evaluated: 2017-04-27. Review status: criteria provided, single submitter. Criteria: ICSL Variant Classification Criteria 13 December 2019. Collection method: clinical testing. Allele origin: germline.
Comment: This variant was observed as part of a predisposition screen in an ostensibly healthy population. A literature search was performed for the gene, cDNA change, and amino acid change (where applicable). No publications were found based on this search. Allele frequency data from public databases was too high to be consistent with this variant causing disease. Therefore, this variant is classified as benign.

Illumina Laboratory Services, Illumina
Classification: Likely benign for Tuberous sclerosis 1. Last evaluated: 2017-04-27. Review status: criteria provided, single submitter. Criteria: ICSL Variant Classification Criteria 13 December 2019. Collection method: clinical testing. Allele origin: germline.
Comment: This variant was observed as part of a predisposition screen in an ostensibly healthy population. A literature search was performed for the gene, cDNA change, and amino acid change (where applicable). Publications were found based on this search. The evidence from the literature, in combination with allele frequency data from public databases where available, was sufficient to determine this variant is unlikely to cause disease. Therefore, this variant is classified as likely benign.

Laboratory for Molecular Medicine, Mass General Brigham Personalized Medicine
Classification: Uncertain significance. Last evaluated: 2016-06-16. Review status: criteria provided, single submitter. Criteria: LMM Criteria. Collection method: clinical testing. Allele origin: germline.
Comment: Variant identified in a genome or exome case(s) and assessed due to predicted null impact of the variant or pathogenic assertions in the literature or databases. Disclaimer: This variant has not undergone full assessment. The following are preliminary notes: ClinVar: 1 LB.

Genomic Diagnostic Laboratory, Division of Genomic Diagnostics, Children's Hospital of Philadelphia
Classification: Uncertain significance for Tuberous sclerosis 1. Last evaluated: 2015-08-24. Review status: criteria provided, single submitter. Criteria: DGD Variant Analysis Guidelines. Collection method: clinical testing. Allele origin: unknown.

PreventionGenetics, part of Exact Sciences
Classification: Likely benign for TSC1-related condition. Last evaluated: 2023-03-28. Review status: no assertion criteria provided. Collection method: clinical testing. Allele origin: germline. Not counted in ClinVar's aggregate classification.
Comment: This variant is classified as likely benign based on ACMG/AMP sequence variant interpretation guidelines (Richards et al. 2015 PMID: 25741868, with internal and published modifications).

Tuberous sclerosis database (TSC1)
No classification provided. Condition: TSC. Review status: no classification provided. Criteria: Tuberous Sclerosis Database Assertion Criteria 2015. Collection method: curation. Allele origin: germline. Affected: yes. Not counted in ClinVar's aggregate classification.

Literature cited by the submitters: PubMed 20165957 (cited by Ambry Genetics and Illumina Laboratory Services, Illumina); PubMed 21309039 (cited by Ambry Genetics).